The following is an entry in ClinVar:

ClinVar aggregate classification (germline): Uncertain significance (1 of 4 stars; one submission).

Allele frequency attached by ClinVar (database versions not stated): gnomAD 0.00001; TOPMed 0.00001.
gnomAD v4.1: 26 of 1,469,548 alleles (0.0018%); highest among the groups gnomAD compares: East Asian, 0.0029%; no homozygotes.

Submission:

Labcorp Genetics (formerly Invitae), Labcorp
Classification: Uncertain significance. Last evaluated: 2025-07-09. Review status: criteria provided, single submitter. Criteria: Invitae Variant Classification Sherloc (09022015). Collection method: clinical testing. Allele origin: germline.
Comment: This sequence change replaces alanine, which is neutral and non-polar, with threonine, which is neutral and polar, at codon 507 of the FSCN2 protein (p.Ala507Thr). The frequency data for this variant in the population databases is considered unreliable, as metrics indicate poor data quality at this position in the gnomAD database. This variant has not been reported in the literature in individuals affected with FSCN2-related conditions. ClinVar contains an entry for this variant (Variation ID: 1903295). An algorithm developed to predict the effect of missense changes on protein structure and function outputs the following: PolyPhen-2: "Benign". The threonine amino acid residue is found in multiple mammalian species, which suggests that this missense change does not adversely affect protein function. In summary, the available evidence is currently insufficient to determine the role of this variant in disease. Therefore, it has been classified as a Variant of Uncertain Significance.

NM_012418.4(FSCN2):c.1447G>A (p.Ala483Thr)

Gene: FSCN2 (fascin actin-bundling protein 2, retinal; plus strand). Cytogenetic location: 17q25.3.
Variant type: single nucleotide variant.
Coding change: c.1447G>A on transcript NM_012418.4 (MANE Select); coding-DNA position 1447, G replaced by A.
Protein change: p.Ala483Thr; replaces alanine 483 with threonine.
Molecular consequence: missense variant.
Genome position (GRCh38, 1-based): chr17:81,537,048, G>A. VCF-style: chr17-81537048-G-A. GRCh37 (hg19) VCF-style: chr17-79504074-G-A.
Other names: c.1519G>A, p.Ala507Thr (NM_001077182.3); short protein forms A483T, A507T.
Identifiers: ClinVar variation 1903295 (VCV001903295.5), dbSNP rs753060399, ClinGen allele CA8837145.